The following is an entry in ClinVar:

NM_153816.6(SNX14):c.1898C>T (p.Ala633Val)

Gene: SNX14 (sorting nexin 14; minus strand). Cytogenetic location: 6q14.3.
Variant type: single nucleotide variant.
Coding change: c.1898C>T on transcript NM_153816.6 (MANE Select); coding-DNA position 1898, C replaced by T.
Protein change: p.Ala633Val; replaces alanine 633 with valine.
Molecular consequence: missense variant. On other transcripts: non-coding transcript variant (6).
Genome position (GRCh38, 1-based): chr6:85,528,359, G>A on the plus strand (C>T on the coding strand, the complement: SNX14 is on the minus strand). VCF-style: chr6-85528359-G-A. GRCh37 (hg19) VCF-style: chr6-86238077-G-A.
Other names: c.1895C>T, p.Ala632Val (NM_001350535.2, NM_001350533.2); c.1766C>T, p.Ala589Val (NM_001350536.2); c.1763C>T, p.Ala588Val (NM_001350537.2); c.1754C>T, p.Ala585Val (NM_001350538.2); c.1739C>T, p.Ala580Val (NM_001350539.2, NM_020468.6); c.1898C>T, p.Ala633Val (NM_001350540.2); c.1871C>T, p.Ala624Val (NM_001350541.2, NM_001297614.3); c.1610C>T, p.Ala537Val (NM_001350542.2); and 10 more; short protein forms A485V, A533V, A537V, A580V, A581V, A633V, A589V, A624V.
Identifiers: ClinVar variation 2181944 (VCV002181944.5), dbSNP rs367587585, ClinGen allele CA142036462.

ClinVar aggregate classification (germline): Uncertain significance. Review status: criteria provided, multiple submitters, no conflicts (2 of 4 stars). 2 submissions from 2 submitters: Uncertain significance (2). Last evaluated 2025-01-28.

Conditions:
Inborn genetic diseases. Identifiers: MedGen C0950123, MeSH D030342.

Allele frequency attached by ClinVar (database versions not stated): gnomAD 0.00001; TOPMed 0.00001; gnomAD exomes 0.00002; ESP Exome Variant Server 0.00008.
gnomAD v4.1: 38 of 1,609,668 alleles (0.0024%); highest among the groups gnomAD compares: Non-Finnish European, 0.0029%; no homozygotes.

Submissions (2):

Ambry Genetics
Classification: Uncertain significance for Inborn genetic diseases. Last evaluated: 2025-01-28. Review status: criteria provided, single submitter. Criteria: Ambry Variant Classification Scheme 2023. Collection method: clinical testing. Allele origin: germline.

Labcorp Genetics (formerly Invitae), Labcorp
Classification: Uncertain significance. Last evaluated: 2022-03-14. Review status: criteria provided, single submitter. Criteria: Invitae Variant Classification Sherloc (09022015). Collection method: clinical testing. Allele origin: germline.
Comment: Algorithms developed to predict the effect of missense changes on protein structure and function (SIFT, PolyPhen-2, Align-GVGD) all suggest that this variant is likely to be tolerated. In summary, the available evidence is currently insufficient to determine the role of this variant in disease. Therefore, it has been classified as a Variant of Uncertain Significance. This sequence change replaces alanine, which is neutral and non-polar, with valine, which is neutral and non-polar, at codon 633 of the SNX14 protein (p.Ala633Val). The frequency data for this variant in the population databases is considered unreliable, as metrics indicate poor data quality at this position in the gnomAD database. This variant has not been reported in the literature in individuals affected with SNX14-related conditions.